The following is an entry in ClinVar:

ClinVar aggregate classification (germline): Pathogenic (1 of 4 stars; one submission).

Conditions:
PKD1-related disorder. Also called: PKD1-related condition.

Submission:

PreventionGenetics, part of Exact Sciences
Classification: Pathogenic for PKD1-related condition. Last evaluated: 2025-10-06. Review status: criteria provided, single submitter. Criteria: ACMG Guidelines, 2015. Collection method: clinical testing. Allele origin: germline.
Comment: The PKD1 c.1350delC variant is predicted to result in a frameshift and premature protein termination (p.Ala451Profs*14). This variant has been reported in an individual with autosomal dominant polycystic kidney disease (Described as 1350delC, P450fsX464, Table IA in Rossetti et al. 2007. PubMed ID: 17582161). This variant has not been reported in a large population database (gnomAD), indicating this variant is rare. Frameshift variants in PKD1 are expected to be pathogenic. This variant is interpreted as pathogenic.

NM_001009944.3(PKD1):c.1350del (p.Ala451fs)

Gene: PKD1 (polycystin 1, transient receptor potential channel interacting; minus strand). Cytogenetic location: 16p13.3.
Variant type: Deletion.
Coding change: c.1350del on transcript NM_001009944.3 (MANE Select); coding-DNA position 1350, one base deleted (C; older notation c.1350delC).
Protein change: p.Ala451fs; shifts the reading frame from alanine 451.
Molecular consequence: frameshift variant.
Genome position (GRCh38, 1-based): chr16:2,117,524, G deleted on the plus strand (C on the coding strand, the reverse complement: PKD1 is on the minus strand); the first of 3 consecutive G bases (chr16:2,117,524-2,117,526); deleting any one gives the same sequence. VCF-style (leftmost placement, unchanged base first): chr16-2117523-CG-C. GRCh37 (hg19) VCF-style: chr16-2167524-CG-C.
Other names: c.1350delC (NM_001009944.2); c.1350del, p.Ala451fs (NM_000296.4); short protein forms A451fs.
Identifiers: ClinVar variation 4991705 (VCV004991705.1).